The following is an entry in ClinVar:

NM_183065.4(TMEM107):c.209G>A (p.Gly70Asp)

Genes: TMEM107 (transmembrane protein 107; minus strand), LOC130060224 (ATAC-STARR-seq lymphoblastoid active region 11673; plus strand), LOC105371520 (uncharacterized LOC105371520; plus strand). Cytogenetic location: 17p13.1.
Variant type: single nucleotide variant.
Coding change: c.209G>A on transcript NM_183065.4 (MANE Select); coding-DNA position 209, G replaced by A.
Protein change: p.Gly70Asp; replaces glycine 70 with aspartic acid.
Molecular consequence: missense variant. On other transcripts: intron variant (1).
Genome position (GRCh38, 1-based): chr17:8,175,804, C>T on the plus strand (G>A on the coding strand, the complement: TMEM107 is on the minus strand). VCF-style: chr17-8175804-C-T. GRCh37 (hg19) VCF-style: chr17-8079122-C-T.
Other names: c.227G>A, p.Gly76Asp (NM_001351278.2, NM_032354.5); c.209G>A, p.Gly70Asp (NM_001351279.2); c.155+155G>A (NM_001351280.2); short protein forms G70D, G76D.
Identifiers: ClinVar variation 4854033 (VCV004854033.1).

ClinVar aggregate classification (germline): Uncertain significance (1 of 4 stars; one submission).

Conditions:
Meckel syndrome 13 (MKS13). Identifiers: MedGen C4539714, MONDO:0033044, OMIM 617562.

Submission:

3billion
Classification: Uncertain significance for Meckel syndrome 13. Last evaluated: 2025-05-19. Review status: criteria provided, single submitter. Criteria: ACMG Guidelines, 2015. Collection method: clinical testing. Allele origin: germline. Affected: yes.
Comment: The variant is not observed in the gnomAD v4.1.0 dataset. Predicted Consequence/Location: Missense variant. The majority of the known disease-causing variants of this gene are variants expected to result in premature termination of the protein. In silico tool predictions suggest damaging effect of the variant on gene or gene product [REVEL: 0.78 (>=0.6, sensitivity 0.68 and specificity 0.92); 3Cnet: 0.80 (> 0.75, sensitivity 0.96 and precision 0.92)]. Therefore, this variant is classified as VUS according to the recommendation of ACMG/AMP guideline.